The following is an entry in ClinVar:

NM_000081.4(LYST):c.5923-4dup

Gene: LYST (lysosomal trafficking regulator; minus strand). Cytogenetic location: 1q42.3.
Variant type: Duplication.
Coding change: c.5923-4dup on transcript NM_000081.4 (MANE Select); 4 bases into the intron before coding-DNA position 5923, one base duplicated (T; older notation c.5923-4dupT).
Molecular consequence: intron variant.
Genome position (GRCh38, 1-based): chr1:235,766,281, A duplicated on the plus strand (T on the coding strand, the reverse complement: LYST is on the minus strand); the first of 6 consecutive A bases (chr1:235,766,281-235,766,286); duplicating any one gives the same sequence. VCF-style (leftmost placement, unchanged base first): chr1-235766280-G-GA. GRCh37 (hg19) VCF-style: chr1-235929580-G-GA.
Other names: c.5923-4dup (NM_001301365.1); c.5923-4dupT (NM_000081.3).
Identifiers: ClinVar variation 1601338 (VCV001601338.11), dbSNP rs767166436, ClinGen allele CA1466485.

ClinVar aggregate classification (germline): Conflicting classifications of pathogenicity. Review status: criteria provided, conflicting classifications (1 of 4 stars). 3 submissions from 3 submitters: Uncertain significance (1); Benign (1). 1 of the submissions does not count toward it. Last evaluated 2026-01-26.

Conditions:
Chédiak-Higashi syndrome (CHS). Also called: Chediak-Higashi Syndrome. Identifiers: Orphanet 167, MedGen C0007965, MONDO:0008963, OMIM 214500.
LYST-related disorder. Also called: LYST-related condition.

Submissions (3):

Labcorp Genetics (formerly Invitae), Labcorp
Classification: Benign for Chédiak-Higashi syndrome. Last evaluated: 2026-01-26. Review status: criteria provided, single submitter. Criteria: Invitae Variant Classification Sherloc (09022015). Collection method: clinical testing. Allele origin: germline.

Blueprint Genetics
Classification: Uncertain significance. Last evaluated: 2024-09-27. Review status: criteria provided, single submitter. Criteria: ACMG Guidelines, 2015. Collection method: clinical testing. Allele origin: germline.

PreventionGenetics, part of Exact Sciences
Classification: Likely benign for LYST-related condition. Last evaluated: 2019-06-27. Review status: no assertion criteria provided. Collection method: clinical testing. Allele origin: germline. Not counted in ClinVar's aggregate classification.
Comment: This variant is classified as likely benign based on ACMG/AMP sequence variant interpretation guidelines (Richards et al. 2015 PMID: 25741868, with internal and published modifications).